The following is an entry in ClinVar:

ClinVar aggregate classification (germline): Uncertain significance (1 of 4 stars; one submission).

gnomAD v4.1: 5 of 1,579,058 alleles (0.00032%); highest among the groups gnomAD compares: Non-Finnish European, 0.00043%; no homozygotes.

Submission:

Mayo Clinic Laboratories, Mayo Clinic
Classification: Uncertain significance. Last evaluated: 2023-09-01. Review status: criteria provided, single submitter. Criteria: ACMG Guidelines, 2015. Collection method: clinical testing. Allele origin: germline. Observed: 1 variant allele.
Comment: BP4, PM2_moderate

NM_006612.6(KIF1C):c.2861G>A (p.Gly954Asp)

Gene: KIF1C (kinesin family member 1C; plus strand). Cytogenetic location: 17p13.2.
Variant type: single nucleotide variant.
Coding change: c.2861G>A on transcript NM_006612.6 (MANE Select); coding-DNA position 2861, G replaced by A.
Protein change: p.Gly954Asp; replaces glycine 954 with aspartic acid.
Molecular consequence: missense variant.
Genome position (GRCh38, 1-based): chr17:5,023,700, G>A. VCF-style: chr17-5023700-G-A. GRCh37 (hg19) VCF-style: chr17-4926995-G-A.
Other names: p.Gly954Asp; short protein forms G954D.
Identifiers: ClinVar variation 3380461 (VCV003380461.1).